The following is an entry in ClinVar:

ClinVar aggregate classification (germline): Likely benign (1 of 4 stars; one submission).

Conditions:
Global developmental delay with or without impaired intellectual development. Identifiers: MedGen C5193032, MONDO:0032680, OMIM 618330.

Submission:

Centre for Medical Genetics,  Mumbai
Classification: Likely benign for Global developmental delay with or without impaired intellectual development. Last evaluated: 2026-02-24. Review status: criteria provided, single submitter. Criteria: ACMG Guidelines, 2015. Collection method: provider interpretation. Allele origin: germline. Inheritance: Autosomal dominant inheritance. Affected: no. Observed: 1 heterozygote.
Comment: The variant satisfies PM2 criteria; Extremely low frequency in gnomAD population databases. The variant satisfies PP2 criteria; Missense variant in a gene with low rate of benign missense mutations and for which missense mutation is a common mechanism of a disease. The variant satisfies BP4 criteria; For a missense or a splice region variant, computational prediction tools unanimously support a benign effect on the gene. However, the variant satisfies BS2 criteria.

Literature cited by the submitters: PubMed 30014507.

NM_181552.4(CUX1):c.301C>A (p.Leu101Ile)

Genes: CUX1 (cut like homeobox 1; plus strand), LOC126860126 (P300/CBP strongly-dependent group 1 enhancer GRCh37_chr7:101740358-101741557; plus strand). Cytogenetic location: 7q22.1.
Variant type: single nucleotide variant.
Coding change: c.301C>A on transcript NM_181552.4 (MANE Select); coding-DNA position 301, C replaced by A.
Protein change: p.Leu101Ile; replaces leucine 101 with isoleucine.
Molecular consequence: missense variant. On other transcripts: intron variant (1).
Genome position (GRCh38, 1-based): chr7:102,097,396, C>A. VCF-style: chr7-102097396-C-A. GRCh37 (hg19) VCF-style: chr7-101740676-C-A.
Other names: c.334C>A, p.Leu112Ile (NM_001202543.2, NM_001913.5, NM_181500.4); c.286C>A, p.Leu96Ile (NM_001202544.3); c.223C>A, p.Leu75Ile (NM_001202546.3); c.302-6940C>A (NM_001202545.3); short protein forms L101I, L112I, L75I, L96I.
Identifiers: ClinVar variation 4796746 (VCV004796746.1).